The following is an entry in ClinVar:

NM_000535.7(PMS2):c.741T>C (p.Pro247=)

Gene: PMS2 (PMS1 homolog 2, mismatch repair system component; minus strand). Cytogenetic location: 7p22.1.
Variant type: single nucleotide variant.
Coding change: c.741T>C on transcript NM_000535.7 (MANE Select); coding-DNA position 741, T replaced by C.
Protein change: p.Pro247=; no amino-acid change (proline 247 retained).
Molecular consequence: synonymous variant. On other transcripts: 5 prime UTR variant (2), non-coding transcript variant (1), intron variant (3).
Genome position (GRCh38, 1-based): chr7:5,997,388, A>G on the plus strand (T>C on the coding strand, the complement: PMS2 is on the minus strand). VCF-style: chr7-5997388-A-G. GRCh37 (hg19) VCF-style: chr7-6037019-A-G.
Other names: c.336T>C, p.Pro112= (NM_001018040.1, NM_001322003.2, NM_001322004.2 and 20 more transcripts); c.741T>C, p.Pro247= (NM_001322006.2, NM_001322014.2, NM_001406870.1 and 3 more transcripts); c.423T>C, p.Pro141= (NM_001322007.2, NM_001322008.2, NM_001406876.1 and 4 more transcripts); c.-193T>C (NM_001322011.2, NM_001322012.2); c.168T>C, p.Pro56= (NM_001322013.2, NM_001406909.1); c.432T>C, p.Pro144= (NM_001322015.2, NM_001406875.1, NM_001406877.1 and 6 more transcripts); c.927T>C, p.Pro309= (NM_001406866.1); c.765T>C, p.Pro255= (NM_001406868.1); and 7 more.
Identifiers: ClinVar variation 2057391 (VCV002057391.6), dbSNP rs2128787882, ClinGen allele CA453646175.

ClinVar aggregate classification (germline): Benign/Likely benign. Review status: criteria provided, multiple submitters, no conflicts (2 of 4 stars). 3 submissions from 3 submitters: Benign (1); Likely benign (2). Last evaluated 2025-01-28.

Conditions:
Hereditary cancer-predisposing syndrome. Also called: Tumor predisposition; Hereditary Cancer Syndrome; Neoplastic Syndromes, Hereditary; Hereditary neoplastic syndrome. Identifiers: Orphanet 140162, MedGen C0027672, MeSH D009386, MONDO:0015356.
Hereditary nonpolyposis colorectal neoplasms. Identifiers: MedGen C0009405, MeSH D003123.
Lynch syndrome 4 (LYNCH4). Also called: Hereditary non-polyposis colorectal cancer, type 4; Colorectal cancer, hereditary nonpolyposis, type 4. Identifiers: Orphanet 144, MedGen C1838333, MONDO:0013699, OMIM 614337. Disease mechanism: loss of function.

Submissions (3):

Myriad Genetics, Inc.
Classification: Benign for Lynch syndrome 4. Last evaluated: 2025-01-28. Review status: criteria provided, single submitter. Criteria: Myriad Autosomal Dominant, Autosomal Recessive and X-Linked Classification Criteria (2023). Collection method: clinical testing. Allele origin: unknown.
Comment: This variant is considered benign. This variant is a silent/synonymous amino acid change and it is not expected to impact splicing.

Ambry Genetics
Classification: Likely benign for Hereditary cancer-predisposing syndrome. Last evaluated: 2025-01-13. Review status: criteria provided, single submitter. Criteria: Ambry Variant Classification Scheme 2023. Collection method: clinical testing. Allele origin: germline.

Labcorp Genetics (formerly Invitae), Labcorp
Classification: Likely benign for Hereditary nonpolyposis colorectal neoplasms. Last evaluated: 2024-11-24. Review status: criteria provided, single submitter. Criteria: Invitae Variant Classification Sherloc (09022015). Collection method: clinical testing. Allele origin: germline.